The following is an entry in ClinVar:

NM_002458.3(MUC5B):c.6600A>G (p.Arg2200=)

Genes: MUC5B (mucin 5B, oligomeric mucus/gel-forming; plus strand), MUC5B-AS1 (MUC5B antisense RNA 1; minus strand). Cytogenetic location: 11p15.5.
Variant type: single nucleotide variant.
Coding change: c.6600A>G on transcript NM_002458.3 (MANE Select); coding-DNA position 6600, A replaced by G.
Protein change: p.Arg2200=; no amino-acid change (arginine 2200 retained).
Molecular consequence: synonymous variant.
Genome position (GRCh38, 1-based): chr11:1,243,480, A>G. VCF-style: chr11-1243480-A-G. GRCh37 (hg19) VCF-style: chr11-1264710-A-G.
Identifiers: ClinVar variation 403138 (VCV000403138.6), dbSNP rs59373058, ClinGen allele CA5806058.

ClinVar aggregate classification (germline): Benign. Review status: criteria provided, multiple submitters, no conflicts (2 of 4 stars). 3 submissions from 3 submitters: Benign (3). Last evaluated 2021-06-09.

Allele frequency attached by ClinVar (database versions not stated): gnomAD exomes 0.10997; 1000 Genomes Project 30x 0.27280; 1000 Genomes Project 0.27356.

Submissions (3):

GeneDx
Classification: Benign. Last evaluated: 2021-06-09. Review status: criteria provided, single submitter. Criteria: GeneDx Variant Classification Process June 2021. Collection method: clinical testing. Allele origin: germline. Affected: yes.

Laboratory for Molecular Medicine, Mass General Brigham Personalized Medicine
Classification: Benign. Last evaluated: 2016-03-28. Review status: criteria provided, single submitter. Criteria: LMM Criteria. Collection method: clinical testing. Allele origin: germline.
Comment: Variant identified in a genome or exome case(s) and assessed due to predicted null impact of the variant or pathogenic assertions in the literature or databases. Disclaimer: This variant has not undergone full assessment. The following are preliminary notes: Frequency

Breakthrough Genomics
Classification: Benign. Review status: criteria provided, single submitter. Criteria: ACMG Guidelines, 2015. Collection method: not provided. Allele origin: germline. Inheritance: Autosomal dominant inheritance. Affected: yes.